The following is an entry in ClinVar:

NM_001242896.3(DEPDC5):c.974A>G (p.Asn325Ser)

Gene: DEPDC5 (DEP domain containing 5, GATOR1 subcomplex subunit; plus strand). Cytogenetic location: 22q12.3.
Variant type: single nucleotide variant.
Coding change: c.974A>G on transcript NM_001242896.3 (MANE Select); coding-DNA position 974, A replaced by G.
Protein change: p.Asn325Ser; replaces asparagine 325 with serine.
Molecular consequence: missense variant. On other transcripts: non-coding transcript variant (5).
Genome position (GRCh38, 1-based): chr22:31,802,731, A>G. VCF-style: chr22-31802731-A-G. GRCh37 (hg19) VCF-style: chr22-32198717-A-G.
Other names: c.974A>G, p.Asn325Ser (NM_001007188.4, NM_001136029.4, NM_001242897.2 and 7 more transcripts); c.890A>G, p.Asn297Ser (NM_001369901.1, NM_001369902.1); short protein forms N297S, N325S.
Identifiers: ClinVar variation 857144 (VCV000857144.14), dbSNP rs2087011420, ClinGen allele CA411292790.

ClinVar aggregate classification (germline): Uncertain significance. Review status: criteria provided, multiple submitters, no conflicts (2 of 4 stars). 2 submissions from 2 submitters: Uncertain significance (2). Last evaluated 2025-12-25.

Conditions:
Familial focal epilepsy with variable foci (FPEVF). Identifiers: Orphanet 98820, MedGen C1858477, MONDO:0020310.

Allele frequency attached by ClinVar (database versions not stated): gnomAD exomes below 0.00001.
gnomAD v4.1: 1 of 1,591,058 alleles (0.000063%); highest among the groups gnomAD compares: Non-Finnish European, 0.000086%; no homozygotes.

Submissions (2):

Labcorp Genetics (formerly Invitae), Labcorp
Classification: Uncertain significance for Familial focal epilepsy with variable foci. Last evaluated: 2025-12-25. Review status: criteria provided, single submitter. Criteria: Invitae Variant Classification Sherloc (09022015). Collection method: clinical testing. Allele origin: germline.
Comment: This sequence change replaces asparagine, which is neutral and polar, with serine, which is neutral and polar, at codon 325 of the DEPDC5 protein (p.Asn325Ser). This variant is not present in population databases (gnomAD no frequency). This variant has not been reported in the literature in individuals affected with DEPDC5-related conditions. ClinVar contains an entry for this variant (Variation ID: 857144). Experimental studies and prediction algorithms are not available or were not evaluated, and the functional significance of this variant is currently unknown. In summary, the available evidence is currently insufficient to determine the role of this variant in disease. Therefore, it has been classified as a Variant of Uncertain Significance.

GeneDx
Classification: Uncertain significance. Last evaluated: 2025-09-29. Review status: criteria provided, single submitter. Criteria: GeneDx Variant Classification Process June 2021. Collection method: clinical testing. Allele origin: germline. Affected: yes.
Comment: Not observed at significant frequency in large population cohorts (gnomAD); In silico analysis suggests that this missense variant does not alter protein structure/function; Has not been previously published as pathogenic or benign to our knowledge